The following is an entry in ClinVar:

NM_003931.3(WASF1):c.304C>T (p.Arg102Ter)

Gene: WASF1 (WASP family member 1; minus strand). Cytogenetic location: 6q21.
Variant type: single nucleotide variant.
Coding change: c.304C>T on transcript NM_003931.3 (MANE Select); coding-DNA position 304, C replaced by T.
Protein change: p.Arg102Ter; replaces arginine 102 with a stop codon.
Molecular consequence: nonsense.
Genome position (GRCh38, 1-based): chr6:110,108,646, G>A on the plus strand (C>T on the coding strand, the complement: WASF1 is on the minus strand). VCF-style: chr6-110108646-G-A. GRCh37 (hg19) VCF-style: chr6-110429849-G-A.
Other names: c.304C>T, p.Arg102Ter (NM_001024934.2, NM_001024935.2, NM_001024936.2); short protein forms R102*.
Identifiers: ClinVar variation 4536429 (VCV004536429.2).

ClinVar aggregate classification (germline): Uncertain significance. Review status: criteria provided, multiple submitters, no conflicts (2 of 4 stars). 2 submissions from 2 submitters: Uncertain significance (2). Last evaluated 2025-06-03.

Submissions (2):

GeneDx
Classification: Uncertain significance. Last evaluated: 2025-06-03. Review status: criteria provided, single submitter. Criteria: GeneDx Variant Classification Process June 2021. Collection method: clinical testing. Allele origin: germline. Affected: yes.
Comment: Not observed at significant frequency in large population cohorts (gnomAD); Nonsense variant predicted to result in protein truncation or nonsense mediated decay in a gene or region of a gene for which loss of function is not a well-established mechanism of disease; Has not been previously published as pathogenic or benign to our knowledge

Blueprint Genetics
Classification: Uncertain significance. Last evaluated: 2021-01-13. Review status: criteria provided, single submitter. Criteria: ACMG Guidelines, 2015. Collection method: clinical testing. Allele origin: germline.